The following is an entry in ClinVar:

NM_012454.4(TIAM2):c.2754G>A (p.Arg918=)

Gene: TIAM2 (TIAM Rac1 associated GEF 2; plus strand). Cytogenetic location: 6q25.2.
Variant type: single nucleotide variant.
Coding change: c.2754G>A on transcript NM_012454.4 (MANE Select); coding-DNA position 2754, G replaced by A.
Protein change: p.Arg918=; no amino-acid change (arginine 918 retained).
Molecular consequence: synonymous variant.
Genome position (GRCh38, 1-based): chr6:155,182,272, G>A. VCF-style: chr6-155182272-G-A. GRCh37 (hg19) VCF-style: chr6-155503406-G-A.
Other names: c.2754G>A, p.Arg918= (NM_001384546.1, NM_001384547.1).
Identifiers: ClinVar variation 2657046 (VCV002657046.25), dbSNP rs1454875501, ClinGen allele CA452777646.

ClinVar aggregate classification (germline): Likely benign. Review status: criteria provided, multiple submitters, no conflicts (2 of 4 stars). 2 submissions from 2 submitters: Likely benign (2). Last evaluated 2023-08-01.

Allele frequency attached by ClinVar (database versions not stated): TOPMed 0.00004.

Submissions (2):

CeGaT Center for Human Genetics Tuebingen
Classification: Likely benign. Last evaluated: 2023-08-01. Review status: criteria provided, single submitter. Criteria: CeGaT Center For Human Genetics Tuebingen Variant Classification Criteria Version 2. Collection method: clinical testing. Allele origin: germline. Affected: yes. Observed: 2 variant alleles.
Comment: TIAM2: PM2:Supporting, BP4, BP7

Breakthrough Genomics
Classification: Likely benign. Review status: criteria provided, single submitter. Criteria: ACMG Guidelines, 2015. Collection method: not provided. Allele origin: germline. Inheritance: Unknown mechanism. Affected: yes.